The following is an entry in ClinVar:

ClinVar aggregate classification (germline): Uncertain significance. Review status: criteria provided, multiple submitters, no conflicts (2 of 4 stars). 3 submissions from 3 submitters: Uncertain significance (3). Last evaluated 2025-11-02.

Allele frequency attached by ClinVar (database versions not stated): TOPMed 0.00053; gnomAD 0.00057 and 0.00058; ESP Exome Variant Server 0.00108.
gnomAD v4.1: 1,328 of 1,610,154 alleles (0.082%); highest among the groups gnomAD compares: Non-Finnish European, 0.1%; 1 homozygote.

Submissions (3):

Labcorp Genetics (formerly Invitae), Labcorp
Classification: Uncertain significance. Last evaluated: 2025-11-02. Review status: criteria provided, single submitter. Criteria: Invitae Variant Classification Sherloc (09022015). Collection method: clinical testing. Allele origin: germline.
Comment: This sequence change replaces arginine, which is basic and polar, with cysteine, which is neutral and slightly polar, at codon 437 of the SYNPO protein (p.Arg437Cys). This variant is present in population databases (rs34838671, gnomAD 0.09%), and has an allele count higher than expected for a pathogenic variant. This variant has not been reported in the literature in individuals affected with SYNPO-related conditions. ClinVar contains an entry for this variant (Variation ID: 1364455). An algorithm developed to predict the effect of missense changes on protein structure and function (PolyPhen-2) suggests that this variant is likely to be disruptive. In summary, the available evidence is currently insufficient to determine the role of this variant in disease. Therefore, it has been classified as a Variant of Uncertain Significance.

CeGaT Center for Human Genetics Tuebingen
Classification: Uncertain significance. Last evaluated: 2024-05-01. Review status: criteria provided, single submitter. Criteria: CeGaT Center For Human Genetics Tuebingen Variant Classification Criteria Version 2. Collection method: clinical testing. Allele origin: germline. Affected: yes. Observed: 1 variant allele.

Ambry Genetics
Classification: Uncertain significance. Last evaluated: 2024-04-01. Review status: criteria provided, single submitter. Criteria: Ambry Variant Classification Scheme 2023. Collection method: clinical testing. Allele origin: germline.

NM_007286.6(SYNPO):c.1309C>T (p.Arg437Cys)

Gene: SYNPO (synaptopodin; plus strand). Cytogenetic location: 5q33.1.
Variant type: single nucleotide variant.
Coding change: c.1309C>T on transcript NM_007286.6 (MANE Select); coding-DNA position 1309, C replaced by T.
Protein change: p.Arg437Cys; replaces arginine 437 with cysteine.
Molecular consequence: missense variant.
Genome position (GRCh38, 1-based): chr5:150,649,584, C>T. VCF-style: chr5-150649584-C-T. GRCh37 (hg19) VCF-style: chr5-150029146-C-T.
Other names: c.1309C>T, p.Arg437Cys (NM_001109974.3); c.2041C>T, p.Arg681Cys (NM_001166208.2, NM_001166209.2); c.2041C>T (NM_001166208.1); short protein forms R437C, R681C.
Identifiers: ClinVar variation 1364455 (VCV001364455.27), dbSNP rs34838671, ClinGen allele CA3513389.